The following is an entry in ClinVar:

NM_018082.6(POLR3B):c.811G>A (p.Glu271Lys)

Gene: POLR3B (RNA polymerase III subunit B; plus strand). Cytogenetic location: 12q23.3.
Variant type: single nucleotide variant.
Coding change: c.811G>A on transcript NM_018082.6 (MANE Select); coding-DNA position 811, G replaced by A.
Protein change: p.Glu271Lys; replaces glutamic acid 271 with lysine.
Molecular consequence: missense variant.
Genome position (GRCh38, 1-based): chr12:106,393,118, G>A. VCF-style: chr12-106393118-G-A. GRCh37 (hg19) VCF-style: chr12-106786896-G-A.
Other names: c.637G>A, p.Glu213Lys (NM_001160708.2); short protein forms E213K, E271K.
Identifiers: ClinVar variation 4056965 (VCV004056965.1).

ClinVar aggregate classification (germline): Uncertain significance (1 of 4 stars; one submission).

Submission:

GeneDx
Classification: Uncertain significance. Last evaluated: 2025-01-08. Review status: criteria provided, single submitter. Criteria: GeneDx Variant Classification Process June 2021. Collection method: clinical testing. Allele origin: germline. Affected: yes.
Comment: Not observed at significant frequency in large population cohorts (gnomAD); In silico analysis supports that this missense variant has a deleterious effect on protein structure/function; Has not been previously published as pathogenic or benign to our knowledge